The following is an entry in ClinVar:

ClinVar aggregate classification (germline): Uncertain significance (1 of 4 stars; one submission).

Conditions:
Microcephaly 18, primary, autosomal dominant (MCPH18). Identifiers: MedGen C4479608, MONDO:0054593, OMIM 617520.

Submission:

3billion
Classification: Uncertain significance for Microcephaly 18, primary, autosomal dominant. Last evaluated: 2025-11-29. Review status: criteria provided, single submitter. Criteria: ACMG Guidelines, 2015. Collection method: clinical testing. Allele origin: germline. Affected: yes.
Comment: The variant is not observed in the gnomAD v4.1.0 dataset. Predicted Consequence/Location: Missense variant Damaging effect on gene or gene product predicted by in silico programs is uncertain [REVEL: 0.29 (damaging >=0.6, benign <0.4), 3Cnet: 0.46 (damaging >0.75, benign <0.1)]. Therefore, this variant is classified as VUS according to the recommendation of ACMG/AMP guideline.

NM_014991.6(WDFY3):c.4171T>G (p.Leu1391Val)

Gene: WDFY3 (WD repeat and FYVE domain containing 3; minus strand). Cytogenetic location: 4q21.23.
Variant type: single nucleotide variant.
Coding change: c.4171T>G on transcript NM_014991.6 (MANE Select); coding-DNA position 4171, T replaced by G.
Protein change: p.Leu1391Val; replaces leucine 1391 with valine.
Molecular consequence: missense variant.
Genome position (GRCh38, 1-based): chr4:84,782,966, A>C on the plus strand (T>G on the coding strand, the complement: WDFY3 is on the minus strand). VCF-style: chr4-84782966-A-C. GRCh37 (hg19) VCF-style: chr4-85704119-A-C.
Other names: short protein forms L1391V.
Identifiers: ClinVar variation 4855210 (VCV004855210.1).
Genomic context (GRCh38, chr4:84,782,966, plus strand): 5'-AATGCAAACTTGATGGCAAATAAAGAAGTTTGAAACAACAAAGATAAGTCCACTCACCCA[A>C]GTATCCAATCAGAGCGGCCCCAATTGTCCGTGCAGATCCATTAAGATGTCCTGCTGAATT-3'
Protein context (NP_055806.2, residues 1381-1401): RTIGAALIGY[Leu1391Val]GVRTFVPKPV